The following is an entry in ClinVar:

ClinVar aggregate classification (germline): Benign. Review status: criteria provided, single submitter (1 of 4 stars). 3 submissions from 3 submitters: Benign (1). 2 of the submissions do not count toward it. Last evaluated 2024-12-01.

Conditions:
MYO1A-related disorder. Also called: MYO1A-related condition.
Autosomal dominant nonsyndromic hearing loss 48. Also called: DEAFNESS, AUTOSOMAL DOMINANT 48. Identifiers: Orphanet 90635, MedGen C1842939, MONDO:0011920, OMIM 607841.

Allele frequency attached by ClinVar (database versions not stated): TOPMed 0.00071; 1000 Genomes Project 30x 0.00078; 1000 Genomes Project 0.00100; ESP Exome Variant Server 0.00154; gnomAD exomes 0.00250; ExAC 0.00287; gnomAD 0.00615.
gnomAD v4.1: 2,705 of 1,614,152 alleles (0.17%); highest among the groups gnomAD compares: Non-Finnish European, 0.14%; 10 homozygotes.

Submissions (3):

CeGaT Center for Human Genetics Tuebingen
Classification: Benign. Last evaluated: 2024-12-01. Review status: criteria provided, single submitter. Criteria: CeGaT Center For Human Genetics Tuebingen Variant Classification Criteria Version 2. Collection method: clinical testing. Allele origin: germline. Affected: yes. Observed: 2 variant alleles.
Comment: MYO1A: BS1, BS2

PreventionGenetics, part of Exact Sciences
Classification: Benign for MYO1A-related condition. Last evaluated: 2019-04-16. Review status: no assertion criteria provided. Collection method: clinical testing. Allele origin: germline. Not counted in ClinVar's aggregate classification.
Comment: This variant is classified as benign based on ACMG/AMP sequence variant interpretation guidelines (Richards et al. 2015 PMID: 25741868, with internal and published modifications).

Biesecker Lab/Clinical Genomics Section, National Institutes of Health
Classification: Likely benign for Autosomal dominant nonsyndromic hearing loss 48. Last evaluated: 2016-05-10. Review status: no assertion criteria provided. Collection method: research. Allele origin: germline. Affected: no. Observed: 1 heterozygote. Study: ClinSeq. Not counted in ClinVar's aggregate classification.

NM_005379.4(MYO1A):c.235G>T (p.Ala79Ser)

Genes: MYO1A (myosin IA; minus strand), LOC126861538 (BRD4-independent group 4 enhancer GRCh37_chr12:57440635-57441834; plus strand). Cytogenetic location: 12q13.3.
Variant type: single nucleotide variant.
Coding change: c.235G>T on transcript NM_005379.4 (MANE Select); coding-DNA position 235, G replaced by T.
Protein change: p.Ala79Ser; replaces alanine 79 with serine.
Molecular consequence: missense variant.
Genome position (GRCh38, 1-based): chr12:57,047,717, C>A on the plus strand (G>T on the coding strand, the complement: MYO1A is on the minus strand). VCF-style: chr12-57047717-C-A. GRCh37 (hg19) VCF-style: chr12-57441501-C-A.
Other names: c.235G>T, p.Ala79Ser (NM_001256041.2); short protein forms A79S.
Identifiers: ClinVar variation 226408 (VCV000226408.17), dbSNP rs147101055, ClinGen allele CA6640550.